The following is an entry in ClinVar:

NM_006206.6(PDGFRA):c.1798G>A (p.Gly600Arg)

Gene: PDGFRA (platelet derived growth factor receptor alpha; plus strand). Cytogenetic location: 4q12.
Variant type: single nucleotide variant.
Coding change: c.1798G>A on transcript NM_006206.6 (MANE Select); coding-DNA position 1798, G replaced by A.
Protein change: p.Gly600Arg; replaces glycine 600 with arginine.
Molecular consequence: missense variant.
Genome position (GRCh38, 1-based): chr4:54,277,399, G>A. VCF-style: chr4-54277399-G-A. GRCh37 (hg19) VCF-style: chr4-55143566-G-A.
Other names: c.1798G>A, p.Gly600Arg (NM_001347827.2, NM_001347829.2); c.1873G>A, p.Gly625Arg (NM_001347828.2); c.1837G>A, p.Gly613Arg (NM_001347830.2); short protein forms G625R, G613R, G600R.
Identifiers: ClinVar variation 4742202 (VCV004742202.1).
Genomic context (GRCh38, chr4:54,277,399, plus strand): 5'-GAGGAGGCGTCTGGAGTTTTTGGGTGTTAATGATTCTGCCTGCCCACAGGTCGGGTCTTG[G>A]GGTCTGGAGCGTTTGGGAAGGTGGTTGAAGGAACAGCCTATGGATTAAGCCGGTCCCAAC-3'
Protein context (NP_006197.1, residues 590-610): RDGLVLGRVL[Gly600Arg]SGAFGKVVEG

ClinVar aggregate classification (germline): Uncertain significance (1 of 4 stars; one submission).

Conditions:
Gastrointestinal stromal tumor. Also called: Gastrointestinal stromal tumor, somatic; Gastrointestinal stroma tumor. Identifiers: Orphanet 44890, MedGen C0238198, MeSH D046152, MONDO:0011719, OMIM 606764, HP:0100723.

Submission:

Labcorp Genetics (formerly Invitae), Labcorp
Classification: Uncertain significance for Gastrointestinal stromal tumor. Last evaluated: 2025-09-21. Review status: criteria provided, single submitter. Criteria: Invitae Variant Classification Sherloc (09022015). Collection method: clinical testing. Allele origin: germline.
Comment: This sequence change replaces glycine, which is neutral and non-polar, with arginine, which is basic and polar, at codon 600 of the PDGFRA protein (p.Gly600Arg). This variant is not present in population databases (gnomAD no frequency). This variant has not been reported in the literature in individuals affected with PDGFRA-related conditions. Invitae Evidence Modeling of protein sequence and biophysical properties (such as structural, functional, and spatial information, amino acid conservation, physicochemical variation, residue mobility, and thermodynamic stability) has been performed for this missense variant. However, the output from this modeling did not meet the statistical confidence thresholds required to predict the impact of this variant on PDGFRA protein function. In summary, the available evidence is currently insufficient to determine the role of this variant in disease. Therefore, it has been classified as a Variant of Uncertain Significance.